The following is an entry in ClinVar:

NM_002439.5(MSH3):c.2285C>T (p.Ser762Phe)

Gene: MSH3 (mutS homolog 3; plus strand). Cytogenetic location: 5q14.1.
Variant type: single nucleotide variant.
Coding change: c.2285C>T on transcript NM_002439.5 (MANE Select); coding-DNA position 2285, C replaced by T.
Protein change: p.Ser762Phe; replaces serine 762 with phenylalanine.
Molecular consequence: missense variant.
Genome position (GRCh38, 1-based): chr5:80,775,725, C>T. VCF-style: chr5-80775725-C-T. GRCh37 (hg19) VCF-style: chr5-80071544-C-T.
Other names: short protein forms S762F.
Identifiers: ClinVar variation 1058399 (VCV001058399.11), dbSNP rs2112890171, ClinGen allele CA360280822.

ClinVar aggregate classification (germline): Uncertain significance. Review status: criteria provided, multiple submitters, no conflicts (2 of 4 stars). 2 submissions from 2 submitters: Uncertain significance (2). Last evaluated 2025-11-13.

Submissions (2):

Dasa
Classification: Uncertain significance. Last evaluated: 2025-11-13. Review status: criteria provided, single submitter. Criteria: DASA Assertion Criteria. Collection method: clinical testing. Allele origin: germline.
Comment: NM_002439.5(MSH3):c.2285C>T (p.Ser762Phe) is a missense variant that results in the substitution of serine with phenylalanine. This variant is absent from population databases. The currently available literature and clinical evidence are not sufficient to establish a definitive association between this variant and the reported condition. Therefore, this variant is classified as a variant of uncertain significance.

Labcorp Genetics (formerly Invitae), Labcorp
Classification: Uncertain significance. Last evaluated: 2023-06-27. Review status: criteria provided, single submitter. Criteria: Invitae Variant Classification Sherloc (09022015). Collection method: clinical testing. Allele origin: germline.
Comment: This variant is not present in population databases (gnomAD no frequency). This sequence change replaces serine, which is neutral and polar, with phenylalanine, which is neutral and non-polar, at codon 762 of the MSH3 protein (p.Ser762Phe). This variant has not been reported in the literature in individuals affected with MSH3-related conditions. ClinVar contains an entry for this variant (Variation ID: 1058399). An algorithm developed to predict the effect of missense changes on protein structure and function (PolyPhen-2) suggests that this variant is likely to be tolerated. In summary, the available evidence is currently insufficient to determine the role of this variant in disease. Therefore, it has been classified as a Variant of Uncertain Significance.